The following is an entry in ClinVar:

NM_001270974.2(HYDIN):c.10886_10902del (p.Asp3629fs)

Gene: HYDIN (HYDIN axonemal central pair apparatus protein; minus strand). Cytogenetic location: 16q22.2.
Variant type: Deletion.
Coding change: c.10886_10902del on transcript NM_001270974.2 (MANE Select); coding-DNA positions 10886 to 10902, 17 bases deleted (ACATAAGTATCTCTGAG).
Protein change: p.Asp3629fs; shifts the reading frame from aspartic acid 3629.
Molecular consequence: frameshift variant.
Genome position (GRCh38, 1-based): chr16:70,874,351-70,874,367, CTCAGAGATACTTATGT deleted on the plus strand (ACATAAGTATCTCTGAG on the coding strand, the reverse complement: HYDIN is on the minus strand); deleting any 17 consecutive bases within chr16:70,874,351-70,874,369 gives the same sequence; the c. name uses the placement nearest the transcript's 3' end. VCF-style (leftmost placement, unchanged base first): chr16-70874350-ACTCAGAGATACTTATGT-A. GRCh37 (hg19) VCF-style: chr16-70908253-ACTCAGAGATACTTATGT-A.
Other names: short protein forms D3629fs.
Identifiers: ClinVar variation 3027492 (VCV003027492.1), dbSNP rs2507962377, ClinGen allele CA2634113207.
Genomic context (GRCh38, chr16:70,874,350, plus strand): 5'-TGCTGTTTCTCCCACCTGCCACCAAGTCTTCCATATCATTGTCCTCGATGATCTCTGTGA[ACTCAGAGATACTTATGT>A]CTTCCTGGCTGGTGGGGGCCACCAGTCCATGGATGTTGTCCAAGGTGATGTCATCCTCAT-3'

ClinVar aggregate classification (germline): Likely pathogenic (1 of 4 stars; one submission).

Conditions:
Primary ciliary dyskinesia 5. Also called: CILIARY DYSKINESIA, PRIMARY, 5, WITHOUT SITUS INVERSUS. Identifiers: Orphanet 244, MedGen C1837615, MONDO:0012088, OMIM 608647.

Submission:

Royal Brompton Clinical Genetics And Genomics Laboratory, NHS South East Genomic Laboratory Hub
Classification: Likely pathogenic for Primary ciliary dyskinesia 5. Last evaluated: 2024-03-06. Review status: criteria provided, single submitter. Criteria: RBHT-CGGL ClinVar Assertion Criteria. Collection method: clinical testing. Allele origin: germline. Affected: yes. Observed: 1 variant allele.